The following is an entry in ClinVar:

ClinVar aggregate classification (germline): Uncertain significance (1 of 4 stars; one submission).

Conditions:
Cardiovascular phenotype. Identifiers: MedGen CN230736.

Submission:

Ambry Genetics
Classification: Uncertain significance for Cardiovascular phenotype. Last evaluated: 2020-07-20. Review status: criteria provided, single submitter. Criteria: Ambry Variant Classification Scheme 2023. Collection method: clinical testing. Allele origin: germline.
Comment: The c.3790+1G>A intronic variant results from a G to A substitution one nucleotide after coding exon 21 of the FLNC gene. This nucleotide position is highly conserved in available vertebrate species. Alterations that disrupt the canonical splice site are expected to cause aberrant splicing, resulting in an abnormal protein or a transcript that is subject to nonsense-mediated mRNA decay. In silico splice site analysis predicts that this alteration will weaken the native splice donor site and will result in the creation or strengthening of a novel splice donor site. This novel donor site, if utilized, would result in an in-frame transcript with unknown functional impact; however, direct evidence is unavailable. Since supporting evidence is limited at this time, the clinical significance of this alteration remains unclear.

NM_001458.5(FLNC):c.3790+1G>A

Gene: FLNC (filamin C; plus strand). Cytogenetic location: 7q32.1.
Variant type: single nucleotide variant.
Coding change: c.3790+1G>A on transcript NM_001458.5 (MANE Select); the canonical splice donor site of the intron after coding-DNA position 3790, G replaced by A.
Molecular consequence: splice donor variant.
Genome position (GRCh38, 1-based): chr7:128,845,256, G>A. VCF-style: chr7-128845256-G-A. GRCh37 (hg19) VCF-style: chr7-128485310-G-A.
Other names: c.3790+1G>A (NM_001127487.2).
Identifiers: ClinVar variation 1734947 (VCV001734947.2), dbSNP rs1392170803, ClinGen allele CA369198149.